The following is an entry in ClinVar:

ClinVar aggregate classification (germline): Likely pathogenic (0 of 4 stars; one submission).

Conditions:
Imerslund-Grasbeck syndrome. Also called: PERNICIOUS ANEMIA, JUVENILE, DUE TO SELECTIVE INTESTINAL MALABSORPTION OF VITAMIN B12, WITH PROTEINURIA; Megaloblastic anemia due to inborn errors of metabolism; Imerslund-Gräsbeck syndrome; ENTEROCYTE COBALAMIN MALABSORPTION; ENTEROCYTE INTRINSIC FACTOR RECEPTOR, DEFECT OF. Identifiers: Orphanet 35858, MedGen C4551825, MONDO:0009853.

Submission:

Juha Muilu Group; Institute for Molecular Medicine Finland (FIMM)
Classification: Likely pathogenic for Megaloblastic anemia due to inborn errors of metabolism. Review status: no assertion criteria provided. Collection method: not provided. Allele origin: unknown.
Comment: FinDis database variant: This variant was not found or characterized by our laboratory, data were collected from public sources: see reference
ClinVar note: Converted during submission from probable-pathogenic to Likely pathogenic.

NM_001081.4(CUBN):c.250C>T (p.Gln84Ter)

Gene: CUBN (cubilin; minus strand). Cytogenetic location: 10p13.
Variant type: single nucleotide variant.
Coding change: c.250C>T on transcript NM_001081.4 (MANE Select); coding-DNA position 250, C replaced by T.
Protein change: p.Gln84Ter; replaces glutamine 84 with a stop codon.
Molecular consequence: nonsense.
Genome position (GRCh38, 1-based): chr10:17,129,123, G>A on the plus strand (C>T on the coding strand, the complement: CUBN is on the minus strand). VCF-style: chr10-17129123-G-A. GRCh37 (hg19) VCF-style: chr10-17171122-G-A.
Other names: short protein forms Q84*.
Identifiers: ClinVar variation 56327 (VCV000056327.2), dbSNP rs386833774, ClinGen allele CA144265.
Genomic context (GRCh38, chr10:17,129,123, plus strand): 5'-AATTAAGTCACCGTATATGGATATACAAAATGACTTCAATATATTTCCAGTGTATTACCT[G>A]ATGTAAACACTCACTGAGATCTTCATCATTTAATTTAATTTTTCCCAGGGATCCGGTTCT-3'